The following is an entry in ClinVar:

NM_000059.4(BRCA2):c.10138C>T (p.Leu3380Phe)

Gene: BRCA2 (BRCA2 DNA repair associated; plus strand). Cytogenetic location: 13q13.1.
Variant type: single nucleotide variant.
Coding change: c.10138C>T on transcript NM_000059.4 (MANE Select); coding-DNA position 10138, C replaced by T.
Protein change: p.Leu3380Phe; replaces leucine 3380 with phenylalanine.
Molecular consequence: missense variant. On other transcripts: non-coding transcript variant (1).
Genome position (GRCh38, 1-based): chr13:32,398,651, C>T. VCF-style: chr13-32398651-C-T. GRCh37 (hg19) VCF-style: chr13-32972788-C-T.
Other names: c.10042C>T, p.Leu3348Phe (NM_001406719.1); c.10087C>T, p.Leu3363Phe (NM_001406720.1); c.5206C>T, p.Leu1736Phe (NM_001406721.1); c.3721C>T, p.Leu1241Phe (NM_001406722.1); c.10138C>T, p.Leu3380Phe (NM_001432077.1); short protein forms L1241F, L1736F, L3348F, L3363F, L3380F.
Identifiers: ClinVar variation 4802370 (VCV004802370.1).

ClinVar aggregate classification (germline): Uncertain significance (1 of 4 stars; one submission).

Conditions:
Hereditary breast ovarian cancer syndrome. Also called: Hereditary breast and ovarian cancer syndrome (HBOC); Hereditary breast and ovarian cancer; Breast and ovarian cancer; Hereditary breast and/or ovarian cancer syndrome; BRCA1- and BRCA2-Associated Hereditary Breast and Ovarian Cancer; Hereditary breast and ovarian cancer syndrome. Identifiers: Orphanet 145, MedGen C0677776, MeSH D061325, MONDO:0003582. Disease mechanism: loss of function.

Submission:

Labcorp Genetics (formerly Invitae), Labcorp
Classification: Uncertain significance for Hereditary breast ovarian cancer syndrome. Last evaluated: 2025-05-01. Review status: criteria provided, single submitter. Criteria: Invitae Variant Classification Sherloc (09022015). Collection method: clinical testing. Allele origin: germline.
Comment: This sequence change replaces leucine, which is neutral and non-polar, with phenylalanine, which is neutral and non-polar, at codon 3380 of the BRCA2 protein (p.Leu3380Phe). This variant is not present in population databases (gnomAD no frequency). This variant has not been reported in the literature in individuals affected with BRCA2-related conditions. Invitae Evidence Modeling of protein sequence and biophysical properties (such as structural, functional, and spatial information, amino acid conservation, physicochemical variation, residue mobility, and thermodynamic stability) indicates that this missense variant is not expected to disrupt BRCA2 protein function with a negative predictive value of 95%. In summary, the available evidence is currently insufficient to determine the role of this variant in disease. Therefore, it has been classified as a Variant of Uncertain Significance.